The following is an entry in ClinVar:

ClinVar aggregate classification (germline): Uncertain significance (1 of 4 stars; one submission).

Conditions:
NRP2-related disorder. Also called: NRP2-related condition.

gnomAD v4.1: 2 of 1,614,220 alleles (0.00012%); highest among the groups gnomAD compares: Non-Finnish European, 0.00017%; no homozygotes.

Submission:

PreventionGenetics, part of Exact Sciences
Classification: Uncertain significance for NRP2-related condition. Last evaluated: 2026-07-23. Review status: criteria provided, single submitter. Criteria: ACMG Guidelines, 2015. Collection method: clinical testing. Allele origin: germline.
Comment: The NRP2 c.1462C>T variant is predicted to result in the amino acid substitution p.Leu488Phe. To our knowledge, this variant has not been reported in the literature or in a large population database (gnomAD), indicating this variant is rare. At this time, the clinical significance of this variant is uncertain due to the absence of conclusive functional and genetic evidence.

NM_003872.3(NRP2):c.1462C>T (p.Leu488Phe)

Gene: NRP2 (neuropilin 2; plus strand). Cytogenetic location: 2q33.3.
Variant type: single nucleotide variant.
Coding change: c.1462C>T on transcript NM_003872.3 (MANE Select); coding-DNA position 1462, C replaced by T.
Protein change: p.Leu488Phe; replaces leucine 488 with phenylalanine.
Molecular consequence: missense variant.
Genome position (GRCh38, 1-based): chr2:205,743,373, C>T. VCF-style: chr2-205743373-C-T. GRCh37 (hg19) VCF-style: chr2-206608097-C-T.
Other names: c.1462C>T, p.Leu488Phe (NM_018534.4, NM_201264.2, NM_201266.2 and 2 more transcripts); short protein forms L488F.
Identifiers: ClinVar variation 4992829 (VCV004992829.1).
Genomic context (GRCh38, chr2:205,743,373, plus strand): 5'-GTTAGCAGCCGCTCGGGCTGGTTCCCTCGAATCCCTCAGGCCCAGCCCGGTGAGGAGTGG[C>T]TTCAGGTAGATCTGGGAACACCCAAGACAGTGAAAGGTGTCATCATCCAGGGAGCCCGCG-3'
Protein context (NP_003863.2, residues 478-498): IPQAQPGEEW[Leu488Phe]QVDLGTPKTV